The following is an entry in ClinVar:

NM_001042492.3(NF1):c.5885A>G (p.His1962Arg)

Gene: NF1 (neurofibromin 1; plus strand). Cytogenetic location: 17q11.2.
Variant type: single nucleotide variant.
Coding change: c.5885A>G on transcript NM_001042492.3 (MANE Select); coding-DNA position 5885, A replaced by G.
Protein change: p.His1962Arg; replaces histidine 1962 with arginine.
Molecular consequence: missense variant.
Genome position (GRCh38, 1-based): chr17:31,334,910, A>G. VCF-style: chr17-31334910-A-G. GRCh37 (hg19) VCF-style: chr17-29661928-A-G.
Other names: c.5822A>G, p.His1941Arg (NM_000267.4); short protein forms H1962R, H1941R.
Identifiers: ClinVar variation 457768 (VCV000457768.7), dbSNP rs1555534402, ClinGen allele CA399010715.

ClinVar aggregate classification (germline): Uncertain significance. Review status: criteria provided, multiple submitters, no conflicts (2 of 4 stars). 2 submissions from 2 submitters: Uncertain significance (2). Last evaluated 2023-01-16.

Conditions:
Cardiovascular phenotype. Identifiers: MedGen CN230736.
Hereditary cancer-predisposing syndrome. Also called: Hereditary Cancer Syndrome; Hereditary neoplastic syndrome; Tumor predisposition; Neoplastic Syndromes, Hereditary. Identifiers: Orphanet 140162, MedGen C0027672, MeSH D009386, MONDO:0015356.
Neurofibromatosis, type 1 (NF1). Also called: VON RECKLINGHAUSEN DISEASE; NEUROFIBROMATOSIS, TYPE I, SOMATIC; Peripheral type neurofibromatosis; Neurofibromatosis, type I. Identifiers: Orphanet 636, MedGen C0027831, MONDO:0018975, OMIM 162200. Disease mechanism: loss of function.

Allele frequency attached by ClinVar (database versions not stated): gnomAD exomes below 0.00001.
gnomAD v4.1: 1 of 1,613,986 alleles (0.000062%); highest among the groups gnomAD compares: Non-Finnish European, 0.000085%; no homozygotes.

Submissions (2):

Labcorp Genetics (formerly Invitae), Labcorp
Classification: Uncertain significance for Neurofibromatosis, type 1. Last evaluated: 2023-01-16. Review status: criteria provided, single submitter. Criteria: Invitae Variant Classification Sherloc (09022015). Collection method: clinical testing. Allele origin: germline.
Comment: In summary, the available evidence is currently insufficient to determine the role of this variant in disease. Therefore, it has been classified as a Variant of Uncertain Significance. Advanced modeling of protein sequence and biophysical properties (such as structural, functional, and spatial information, amino acid conservation, physicochemical variation, residue mobility, and thermodynamic stability) performed at Invitae indicates that this missense variant is not expected to disrupt NF1 protein function. ClinVar contains an entry for this variant (Variation ID: 457768). This variant has not been reported in the literature in individuals affected with NF1-related conditions. This variant is not present in population databases (gnomAD no frequency). This sequence change replaces histidine, which is basic and polar, with arginine, which is basic and polar, at codon 1941 of the NF1 protein (p.His1941Arg).

Ambry Genetics
Classification: Uncertain significance for Cardiovascular phenotype; Hereditary cancer-predisposing syndrome. Last evaluated: 2019-07-11. Review status: criteria provided, single submitter. Criteria: Ambry Variant Classification Scheme 2023. Collection method: clinical testing. Allele origin: germline.
Comment: The p.H1941R variant (also known as c.5822A>G), located in coding exon 39 of the NF1 gene, results from an A to G substitution at nucleotide position 5822. The histidine at codon 1941 is replaced by arginine, an amino acid with highly similar properties. This amino acid position is highly conserved in available vertebrate species. In addition, this alteration is predicted to be tolerated by in silico analysis. Since supporting evidence is limited at this time, the clinical significance of this alteration remains unclear.